The following is an entry in ClinVar:

NM_001928.4(CFD):c.322C>T (p.Pro108Ser)

Gene: CFD (complement factor D; plus strand). Cytogenetic location: 19p13.3.
Variant type: single nucleotide variant.
Coding change: c.322C>T on transcript NM_001928.4 (MANE Select); coding-DNA position 322, C replaced by T.
Protein change: p.Pro108Ser; replaces proline 108 with serine.
Molecular consequence: missense variant.
Genome position (GRCh38, 1-based): chr19:860,970, C>T. VCF-style: chr19-860970-C-T. GRCh37 (hg19) VCF-style: chr19-860970-C-T.
Other names: c.343C>T, p.Pro115Ser (NM_001317335.2); c.322C>T (NM_001928.2); short protein forms P115S, P108S.
Identifiers: ClinVar variation 1354025 (VCV001354025.5), dbSNP rs753097110, ClinGen allele CA9026303.

ClinVar aggregate classification (germline): Uncertain significance. Review status: criteria provided, multiple submitters, no conflicts (2 of 4 stars). 2 submissions from 2 submitters: Uncertain significance (2). Last evaluated 2025-02-06.

Allele frequency attached by ClinVar (database versions not stated): gnomAD 0.00001; TOPMed 0.00002; gnomAD exomes 0.00005; ExAC 0.00006.
gnomAD v4.1: 22 of 1,599,882 alleles (0.0014%); highest among the groups gnomAD compares: Non-Finnish European, 0.00034%; no homozygotes.

Submissions (2):

Labcorp Genetics (formerly Invitae), Labcorp
Classification: Uncertain significance. Last evaluated: 2025-02-06. Review status: criteria provided, single submitter. Criteria: Invitae Variant Classification Sherloc (09022015). Collection method: clinical testing. Allele origin: germline.
Comment: This sequence change replaces proline, which is neutral and non-polar, with serine, which is neutral and polar, at codon 108 of the CFD protein (p.Pro108Ser). This variant is present in population databases (rs753097110, gnomAD 0.1%). This variant has not been reported in the literature in individuals affected with CFD-related conditions. ClinVar contains an entry for this variant (Variation ID: 1354025). An algorithm developed to predict the effect of missense changes on protein structure and function (PolyPhen-2) suggests that this variant is likely to be tolerated. In summary, the available evidence is currently insufficient to determine the role of this variant in disease. Therefore, it has been classified as a Variant of Uncertain Significance.

Ambry Genetics
Classification: Uncertain significance. Last evaluated: 2024-04-24. Review status: criteria provided, single submitter. Criteria: Ambry Variant Classification Scheme 2023. Collection method: clinical testing. Allele origin: germline.